The following is an entry in ClinVar:

NM_139027.6(ADAMTS13):c.3662G>A (p.Arg1221Gln)

Gene: ADAMTS13 (ADAM metallopeptidase with thrombospondin type 1 motif 13; plus strand). Cytogenetic location: 9q34.2.
Variant type: single nucleotide variant.
Coding change: c.3662G>A on transcript NM_139027.6 (MANE Select); coding-DNA position 3662, G replaced by A.
Protein change: p.Arg1221Gln; replaces arginine 1221 with glutamine.
Molecular consequence: missense variant. On other transcripts: non-coding transcript variant (1).
Genome position (GRCh38, 1-based): chr9:133,456,657, G>A. VCF-style: chr9-133456657-G-A. GRCh37 (hg19) VCF-style: chr9-136321779-G-A.
Other names: p.Arg1277Gln; c.3830G>A, p.Arg1277Gln (NM_139025.5); c.3569G>A, p.Arg1190Gln (NM_139026.6); short protein forms R1190Q, R1277Q, R1221Q.
Identifiers: ClinVar variation 2265389 (VCV002265389.3), dbSNP rs782090689, ClinGen allele CA200945559.

ClinVar aggregate classification (germline): Conflicting classifications of pathogenicity. Review status: criteria provided, conflicting classifications (1 of 4 stars). 2 submissions from 2 submitters: Uncertain significance (1); Likely benign (1). Last evaluated 2024-05-15.

Conditions:
Inborn genetic diseases. Identifiers: MedGen C0950123, MeSH D030342.

Allele frequency attached by ClinVar (database versions not stated): gnomAD 0.00001; TOPMed 0.00001.
gnomAD v4.1: 13 of 1,602,224 alleles (0.00081%); highest among the groups gnomAD compares: Admixed American, 0.0034%; no homozygotes.

Submissions (2):

Mayo Clinic Laboratories, Mayo Clinic
Classification: Uncertain significance. Last evaluated: 2024-05-15. Review status: criteria provided, single submitter. Criteria: ACMG Guidelines, 2015. Collection method: clinical testing. Allele origin: germline. Observed: 1 variant allele.
Comment: BP4, PM2

Ambry Genetics
Classification: Likely benign for Inborn genetic diseases. Last evaluated: 2021-12-07. Review status: criteria provided, single submitter. Criteria: Ambry Variant Classification Scheme 2023. Collection method: clinical testing. Allele origin: germline.